The following is an entry in ClinVar:

ClinVar aggregate classification (germline): Uncertain significance. Review status: criteria provided, multiple submitters, no conflicts (2 of 4 stars). 3 submissions from 3 submitters: Uncertain significance (3). Last evaluated 2026-08-03.

Conditions:
Inborn genetic diseases. Identifiers: MedGen C0950123, MeSH D030342.
Neuropathy, hereditary sensory and autonomic, type 2A (HSAN2A). Also called: HSAN IIA; ACROOSTEOLYSIS, GIACCAI TYPE; ACROOSTEOLYSIS, NEUROGENIC; MORVAN DISEASE; NEUROPATHY, CONGENITAL SENSORY; NEUROPATHY, HEREDITARY SENSORY RADICULAR, AUTOSOMAL RECESSIVE. Identifiers: Orphanet 970, MedGen C2752089, MONDO:0024309, OMIM 201300.
Generalized epilepsy with febrile seizures plus, type 7 (GEFSP7). Also called: GEFS+, TYPE 7. Identifiers: Orphanet 36387, MedGen C2751778, MONDO:0013470, OMIM 613863.

Submissions (3):

Ambry Genetics
Classification: Uncertain significance for Inborn genetic diseases. Last evaluated: 2026-08-03. Review status: criteria provided, single submitter. Criteria: Ambry Variant Classification Scheme 2023. Collection method: clinical testing. Allele origin: germline.

Mayo Clinic Laboratories, Mayo Clinic
Classification: Uncertain significance. Last evaluated: 2025-10-29. Review status: criteria provided, single submitter. Criteria: ACMG Guidelines, 2015. Collection method: clinical testing. Allele origin: germline. Observed: 1 variant allele.
Comment: BP4

Labcorp Genetics (formerly Invitae), Labcorp
Classification: Uncertain significance for Neuropathy, hereditary sensory and autonomic, type 2A; Generalized epilepsy with febrile seizures plus, type 7. Last evaluated: 2024-11-27. Review status: criteria provided, single submitter. Criteria: Invitae Variant Classification Sherloc (09022015). Collection method: clinical testing. Allele origin: germline.
Comment: This sequence change replaces glycine, which is neutral and non-polar, with arginine, which is basic and polar, at codon 1038 of the SCN9A protein (p.Gly1038Arg). This variant is present in population databases (no rsID available, gnomAD 0.0009%). This variant has not been reported in the literature in individuals affected with SCN9A-related conditions. ClinVar contains an entry for this variant (Variation ID: 2073019). Invitae Evidence Modeling of protein sequence and biophysical properties (such as structural, functional, and spatial information, amino acid conservation, physicochemical variation, residue mobility, and thermodynamic stability) indicates that this missense variant is not expected to disrupt SCN9A protein function with a negative predictive value of 95%. In summary, the available evidence is currently insufficient to determine the role of this variant in disease. Therefore, it has been classified as a Variant of Uncertain Significance.

NM_001365536.1(SCN9A):c.3145G>C (p.Gly1049Arg)

Genes: SCN1A-AS1 (SCN1A and SCN9A antisense RNA 1; plus strand), SCN9A (sodium voltage-gated channel alpha subunit 9; minus strand). Cytogenetic location: 2q24.3.
Variant type: single nucleotide variant.
Coding change: c.3145G>C on transcript NM_001365536.1 (MANE Select); coding-DNA position 3145, G replaced by C.
Protein change: p.Gly1049Arg; replaces glycine 1049 with arginine.
Molecular consequence: missense variant.
Genome position (GRCh38, 1-based): chr2:166,272,605, C>G on the plus strand (G>C on the coding strand, the complement: SCN9A is on the minus strand). VCF-style: chr2-166272605-C-G. GRCh37 (hg19) VCF-style: chr2-167129115-C-G.
Other names: p.Gly1038Arg; c.3112G>C, p.Gly1038Arg (NM_002977.4); short protein forms G1038R, G1049R.
Identifiers: ClinVar variation 2073019 (VCV002073019.6), dbSNP rs749888741, ClinGen allele CA349073617.